The following is an entry in ClinVar:

NM_018834.6(MATR3):c.*1767C>T

Gene: MATR3 (matrin 3; plus strand). Cytogenetic location: 5q31.2.
Variant type: single nucleotide variant.
Coding change: c.*1767C>T on transcript NM_018834.6 (MANE Select); 1767 bases downstream of the stop codon, C replaced by T.
Molecular consequence: 3 prime UTR variant.
Genome position (GRCh38, 1-based): chr5:139,331,162, C>T. VCF-style: chr5-139331162-C-T. GRCh37 (hg19) VCF-style: chr5-138666851-C-T.
Other names: c.*1767C>T (NM_001194954.2, NM_001194955.2, NM_001194956.2 and 2 more transcripts).
Identifiers: ClinVar variation 351176 (VCV000351176.5), dbSNP rs181125183, ClinGen allele CA3433622.

ClinVar aggregate classification (germline): Benign (1 of 4 stars; one submission).

Conditions:
Amyotrophic lateral sclerosis type 21. Also called: VOCAL CORD AND PHARYNGEAL DYSFUNCTION WITH DISTAL MYOPATHY; MYOPATHY, DISTAL, 2. Identifiers: Orphanet 600, Orphanet 803, MedGen C3807521, MONDO:0011632, OMIM 606070.

Allele frequency attached by ClinVar (database versions not stated): 1000 Genomes Project 0.00080; TOPMed 0.00101; 1000 Genomes Project 30x 0.00078; gnomAD 0.00104 and 0.00109; gnomAD exomes 0.00138 and 0.00175; ExAC 0.00437.

Submission:

Illumina Laboratory Services, Illumina
Classification: Benign for Amyotrophic lateral sclerosis type 21. Last evaluated: 2018-01-12. Review status: criteria provided, single submitter. Criteria: ICSL Variant Classification Criteria 13 December 2019. Collection method: clinical testing. Allele origin: germline.
Comment: This variant was observed in the ICSL laboratory as part of a predisposition screen in an ostensibly healthy population. It had not been previously curated by ICSL or reported in the Human Gene Mutation Database (HGMD: prior to June 1st, 2018), and was therefore a candidate for classification through an automated scoring system. Utilizing variant allele frequency, disease prevalence and penetrance estimates, and inheritance mode, an automated score was calculated to assess if this variant is too frequent to cause the disease. Based on the score and internal cut-off values, a variant classified as benign is not then subjected to further curation. The score for this variant resulted in a classification of benign for this disease.